The following is an entry in ClinVar:

NM_001768.7(CD8A):c.46C>T (p.Leu16Phe)

Gene: CD8A (CD8 subunit alpha; minus strand). Cytogenetic location: 2p11.2.
Variant type: single nucleotide variant.
Coding change: c.46C>T on transcript NM_001768.7 (MANE Select); coding-DNA position 46, C replaced by T.
Protein change: p.Leu16Phe; replaces leucine 16 with phenylalanine.
Molecular consequence: missense variant. On other transcripts: non-coding transcript variant (3).
Genome position (GRCh38, 1-based): chr2:86,790,780, G>A on the plus strand (C>T on the coding strand, the complement: CD8A is on the minus strand). VCF-style: chr2-86790780-G-A. GRCh37 (hg19) VCF-style: chr2-87017903-G-A.
Other names: c.46C>T, p.Leu16Phe (NM_001145873.1, NM_001382698.1, NM_171827.4); short protein forms L16F.
Identifiers: ClinVar variation 720274 (VCV000720274.14), dbSNP rs200750291, ClinGen allele CA1751311.

ClinVar aggregate classification (germline): Conflicting classifications of pathogenicity. Review status: criteria provided, conflicting classifications (1 of 4 stars). 4 submissions from 4 submitters: Uncertain significance (1); Likely benign (3). Last evaluated 2026-02-05.

Conditions:
Susceptibility to respiratory infections associated with CD8alpha chain mutation (IMD116). Also called: IMMUNODEFICIENCY 116; Cd8 deficiency, familial. Identifiers: Orphanet 169085, MedGen C1837065, MONDO:0012161, OMIM 608957.

Allele frequency attached by ClinVar (database versions not stated): gnomAD exomes 0.00012 and 0.00039; ESP Exome Variant Server 0.00073; 1000 Genomes Project 30x 0.00094; ExAC 0.00097; 1000 Genomes Project 0.00120; gnomAD 0.00143 and 0.00158; TOPMed 0.00165.
gnomAD v4.1: 395 of 1,543,914 alleles (0.026%); highest among the groups gnomAD compares: African/African-American, 0.46%; 1 homozygote.

Submissions (4):

Women's Health and Genetics/Laboratory Corporation of America, LabCorp
Classification: Likely benign. Last evaluated: 2026-02-05. Review status: criteria provided, single submitter. Criteria: LabCorp Variant Classification Summary - May 2015. Collection method: clinical testing. Allele origin: germline.
Comment: Variant summary: CD8A c.46C>T (p.Leu16Phe) results in a non-conservative amino acid change in the encoded protein sequence. Algorithms developed to predict the effect of missense changes on protein structure and function all suggest that this variant is likely to be disruptive. The variant allele was found at a frequency of 0.00039 in 145310 control chromosomes, predominantly at a frequency of 0.0054 within the African or African-American subpopulation in the gnomAD database. The observed variant frequency within African or African-American control individuals in the gnomAD database exceeds the estimated maximal expected allele frequency for disease-causing variants in CD8A. To our knowledge, no occurrence of c.46C>T in individuals affected with CD8A-related conditions and no experimental evidence demonstrating its impact on protein function have been reported. ClinVar contains an entry for this variant (Variation ID: 720274). Based on the evidence outlined above, the variant was classified as likely benign.

Labcorp Genetics (formerly Invitae), Labcorp
Classification: Likely benign for Susceptibility to respiratory infections associated with CD8alpha chain mutation. Last evaluated: 2026-02-02. Review status: criteria provided, single submitter. Criteria: Invitae Variant Classification Sherloc (09022015). Collection method: clinical testing. Allele origin: germline.

Blueprint Genetics
Classification: Uncertain significance. Last evaluated: 2024-09-19. Review status: criteria provided, single submitter. Criteria: ACMG Guidelines, 2015. Collection method: clinical testing. Allele origin: germline.

Breakthrough Genomics
Classification: Likely benign. Review status: criteria provided, single submitter. Criteria: ACMG Guidelines, 2015. Collection method: not provided. Allele origin: germline. Inheritance: Autosomal recessive inheritance. Affected: yes.